The following is an entry in ClinVar:

ClinVar aggregate classification (germline): Pathogenic (1 of 4 stars; one submission).

Conditions:
Duchenne muscular dystrophy (DMD). Also called: MUSCULAR DYSTROPHY, PSEUDOHYPERTROPHIC PROGRESSIVE, DUCHENNE TYPE; Duchenne Muscular Dystrophy (DMD). Identifiers: Orphanet 98896, MedGen C0013264, MONDO:0010679, OMIM 310200.

Submission:

Labcorp Genetics (formerly Invitae), Labcorp
Classification: Pathogenic for Duchenne muscular dystrophy. Last evaluated: 2022-07-15. Review status: criteria provided, single submitter. Criteria: Invitae Variant Classification Sherloc (09022015). Collection method: clinical testing. Allele origin: germline.
Comment: This sequence change creates a premature translational stop signal (p.Thr1856Lysfs*9) in the DMD gene. It is expected to result in an absent or disrupted protein product. Loss-of-function variants in DMD are known to be pathogenic (PMID: 16770791, 25007885). This variant is not present in population databases (gnomAD no frequency). This variant has not been reported in the literature in individuals affected with DMD-related conditions. For these reasons, this variant has been classified as Pathogenic.

Literature cited by the submitters: PubMed 16770791; PubMed 25007885.

NM_004006.3(DMD):c.5567del (p.Thr1856fs)

Gene: DMD (dystrophin; minus strand). Cytogenetic location: Xp21.1.
Variant type: Deletion.
Coding change: c.5567del on transcript NM_004006.3 (MANE Select); coding-DNA position 5567, one base deleted (C; older notation c.5567delC).
Protein change: p.Thr1856fs; shifts the reading frame from threonine 1856.
Molecular consequence: frameshift variant.
Genome position (GRCh38, 1-based): chrX:32,345,962, G deleted on the plus strand (C on the coding strand, the reverse complement: DMD is on the minus strand). VCF-style (leftmost placement, unchanged base first): chrX-32345961-TG-T. GRCh37 (hg19) VCF-style: chrX-32364078-TG-T.
Other names: c.5543del, p.Thr1848fs (NM_000109.4); c.5555del, p.Thr1852fs (NM_004009.3); c.5198del, p.Thr1733fs (NM_004010.3); c.1544del, p.Thr515fs (NM_004011.4); c.1535del, p.Thr512fs (NM_004012.4); short protein forms T512fs, T515fs, T1733fs, T1848fs, T1852fs, T1856fs.
Identifiers: ClinVar variation 2017464 (VCV002017464.4), dbSNP rs2521959731, ClinGen allele CA2580100685.